The following is an entry in ClinVar:

ClinVar aggregate classification (germline): Uncertain significance (1 of 4 stars; one submission).

Conditions:
Spastic paraplegia. Identifiers: MedGen C0037772, HP:0001258.

Allele frequency attached by ClinVar (database versions not stated): TOPMed 0.00001; gnomAD 0.00001; ESP Exome Variant Server 0.00008.
gnomAD v4.1: 45 of 1,614,014 alleles (0.0028%); highest among the groups gnomAD compares: Non-Finnish European, 0.0037%; no homozygotes.

Submission:

Labcorp Genetics (formerly Invitae), Labcorp
Classification: Uncertain significance for Spastic paraplegia. Last evaluated: 2024-12-02. Review status: criteria provided, single submitter. Criteria: Invitae Variant Classification Sherloc (09022015). Collection method: clinical testing. Allele origin: germline.
Comment: This sequence change replaces alanine, which is neutral and non-polar, with serine, which is neutral and polar, at codon 258 of the ERLIN2 protein (p.Ala258Ser). This variant is present in population databases (rs368687557, gnomAD 0.004%). This variant has not been reported in the literature in individuals affected with ERLIN2-related conditions. ClinVar contains an entry for this variant (Variation ID: 458244). Invitae Evidence Modeling of protein sequence and biophysical properties (such as structural, functional, and spatial information, amino acid conservation, physicochemical variation, residue mobility, and thermodynamic stability) indicates that this missense variant is not expected to disrupt ERLIN2 protein function with a negative predictive value of 80%. In summary, the available evidence is currently insufficient to determine the role of this variant in disease. Therefore, it has been classified as a Variant of Uncertain Significance.

NM_007175.8(ERLIN2):c.772G>T (p.Ala258Ser)

Gene: ERLIN2 (ER lipid raft associated 2; plus strand). Cytogenetic location: 8p11.23.
Variant type: single nucleotide variant.
Coding change: c.772G>T on transcript NM_007175.8 (MANE Select); coding-DNA position 772, G replaced by T.
Protein change: p.Ala258Ser; replaces alanine 258 with serine.
Molecular consequence: missense variant.
Genome position (GRCh38, 1-based): chr8:37,753,482, G>T. VCF-style: chr8-37753482-G-T. GRCh37 (hg19) VCF-style: chr8-37611000-G-T.
Other names: c.772G>T, p.Ala258Ser (NM_001362878.2); short protein forms A258S.
Identifiers: ClinVar variation 458244 (VCV000458244.6), dbSNP rs368687557, ClinGen allele CA4710990.